The following is an entry in ClinVar:

NM_000238.4(KCNH2):c.2521G>T (p.Val841Leu)

Gene: KCNH2 (potassium voltage-gated channel subfamily H member 2; minus strand). Cytogenetic location: 7q36.1.
Variant type: single nucleotide variant.
Coding change: c.2521G>T on transcript NM_000238.4 (MANE Select); coding-DNA position 2521, G replaced by T.
Protein change: p.Val841Leu; replaces valine 841 with leucine.
Molecular consequence: missense variant. On other transcripts: non-coding transcript variant (2).
Genome position (GRCh38, 1-based): chr7:150,948,927, C>A on the plus strand (G>T on the coding strand, the complement: KCNH2 is on the minus strand). VCF-style: chr7-150948927-C-A. GRCh37 (hg19) VCF-style: chr7-150646015-C-A.
Other names: c.2233G>T, p.Val745Leu (NM_001406753.1); c.1501G>T, p.Val501Leu (NM_172057.3); short protein forms V745L, V501L, V841L.
Identifiers: ClinVar variation 2846133 (VCV002846133.3), dbSNP rs2486015376, ClinGen allele CA369854960.

ClinVar aggregate classification (germline): Uncertain significance (1 of 4 stars; one submission).

Conditions:
Long QT syndrome (LQTS). Identifiers: MedGen C0023976, MeSH D008133, MONDO:0002442. Disease mechanism: loss of function. Inheritance: Various modes of inheritance.

Submission:

Labcorp Genetics (formerly Invitae), Labcorp
Classification: Uncertain significance for Long QT syndrome. Last evaluated: 2023-03-16. Review status: criteria provided, single submitter. Criteria: Invitae Variant Classification Sherloc (09022015). Collection method: clinical testing. Allele origin: germline.
Comment: This sequence change replaces valine, which is neutral and non-polar, with leucine, which is neutral and non-polar, at codon 841 of the KCNH2 protein (p.Val841Leu). This variant is not present in population databases (gnomAD no frequency). This missense change has been observed in individual(s) with long QT syndrome (PMID: 23158531). An algorithm developed to predict the effect of missense changes on protein structure and function (PolyPhen-2) suggests that this variant is likely to be disruptive. In summary, the available evidence is currently insufficient to determine the role of this variant in disease. Therefore, it has been classified as a Variant of Uncertain Significance.

Literature cited by the submitters: PubMed 23158531.